The following is an entry in ClinVar:

ClinVar aggregate classification (germline): Uncertain significance (1 of 4 stars; one submission).

Allele frequency attached by ClinVar (database versions not stated): gnomAD exomes below 0.00001 and 0.00001.
gnomAD v4.1: 8 of 1,614,168 alleles (0.0005%); highest among the groups gnomAD compares: Non-Finnish European, 0.00068%; no homozygotes.

Submission:

GeneDx
Classification: Uncertain significance. Last evaluated: 2016-12-07. Review status: criteria provided, single submitter. Criteria: GeneDx Variant Classification (06012015). Collection method: clinical testing. Allele origin: germline. Affected: yes.
Comment: A variant of uncertain significance has been identified in the CLN5 gene. The E293G variant has not been published as a pathogenic variant, nor has it been reported as a benign variant to our knowledge. The E293G variant is not observed in large population cohorts (Lek et al., 2016; 1000 Genomes Consortium et al., 2015; Exome Variant Server). The E293G variant is a non-conservative amino acid substitution, which is likely to impact secondary protein structure as these residues differ in polarity, charge, size and/or other properties. This substitution occurs at a position that is conserved in mammals and in silico analysis predicts this variant is probably damaging to the protein structure/function. However, missense variants in nearby residues have been not reported in Human Gene Mutation Database in association with CLN5-related disorders (Stenson et al., 2014). Therefore, based on the currently available information, it is unclear whether this variant is a pathogenic variant or a rare benign variant.

NM_006493.4(CLN5):c.731A>G (p.Glu244Gly)

Gene: CLN5 (CLN5 intracellular trafficking protein; plus strand). Cytogenetic location: 13q22.3.
Variant type: single nucleotide variant.
Coding change: c.731A>G on transcript NM_006493.4 (MANE Select); coding-DNA position 731, A replaced by G.
Protein change: p.Glu244Gly; replaces glutamic acid 244 with glycine.
Molecular consequence: missense variant. On other transcripts: 3 prime UTR variant (1).
Genome position (GRCh38, 1-based): chr13:77,000,623, A>G. VCF-style: chr13-77000623-A-G. GRCh37 (hg19) VCF-style: chr13-77574758-A-G.
Other names: c.878A>G (LRG_692t1); c.*180A>G (NM_001366624.2); short protein forms E244G.
Identifiers: ClinVar variation 373706 (VCV000373706.1), dbSNP rs1057518562, ClinGen allele CA16042830.